The following is an entry in ClinVar:

ClinVar aggregate classification (germline): Likely benign. Review status: criteria provided, multiple submitters, no conflicts (2 of 4 stars). 2 submissions from 2 submitters: Likely benign (2). Last evaluated 2026-07-08.

Conditions:
IARS2-related disorder. Also called: IARS2-related condition.

Allele frequency attached by ClinVar (database versions not stated): gnomAD exomes 0.00001; gnomAD 0.00005; TOPMed 0.00005; ESP Exome Variant Server 0.00008.
gnomAD v4.1: 20 of 1,598,370 alleles (0.0013%); highest among the groups gnomAD compares: African/African-American, 0.023%; no homozygotes.

Submissions (2):

PreventionGenetics, part of Exact Sciences
Classification: Likely benign for IARS2-related condition. Last evaluated: 2026-07-08. Review status: criteria provided, single submitter. Criteria: ACMG Guidelines, 2015. Collection method: clinical testing. Allele origin: germline.
Comment: This variant is classified as likely benign based on ACMG/AMP sequence variant interpretation guidelines (Richards et al. 2015 PMID: 25741868, with internal and published modifications).

Labcorp Genetics (formerly Invitae), Labcorp
Classification: Likely benign. Last evaluated: 2025-12-24. Review status: criteria provided, single submitter. Criteria: Invitae Variant Classification Sherloc (09022015). Collection method: clinical testing. Allele origin: germline.

NM_018060.4(IARS2):c.2307+9A>G

Gene: IARS2 (isoleucyl-tRNA synthetase 2, mitochondrial; plus strand). Cytogenetic location: 1q41.
Variant type: single nucleotide variant.
Coding change: c.2307+9A>G on transcript NM_018060.4 (MANE Select); 9 bases into the intron after coding-DNA position 2307, A replaced by G.
Molecular consequence: intron variant.
Genome position (GRCh38, 1-based): chr1:220,139,148, A>G. VCF-style: chr1-220139148-A-G. GRCh37 (hg19) VCF-style: chr1-220312490-A-G.
Other names: c.2307+9A>G (NM_018060.3).
Identifiers: ClinVar variation 2179099 (VCV002179099.5), dbSNP rs370450245, ClinGen allele CA37528638.